The following is an entry in ClinVar:

NM_000350.3(ABCA4):c.2862C>G (p.Tyr954Ter)

Gene: ABCA4 (ATP binding cassette subfamily A member 4; minus strand). Cytogenetic location: 1p22.1.
Variant type: single nucleotide variant.
Coding change: c.2862C>G on transcript NM_000350.3 (MANE Select); coding-DNA position 2862, C replaced by G.
Protein change: p.Tyr954Ter; replaces tyrosine 954 with a stop codon.
Molecular consequence: nonsense.
Genome position (GRCh38, 1-based): chr1:94,046,975, G>C on the plus strand (C>G on the coding strand, the complement: ABCA4 is on the minus strand). VCF-style: chr1-94046975-G-C. GRCh37 (hg19) VCF-style: chr1-94512531-G-C.
Other names: c.2640C>G, p.Tyr880Ter (NM_001425324.1); short protein forms Y954*, Y880*.
Identifiers: ClinVar variation 3642280 (VCV003642280.2).

ClinVar aggregate classification (germline): Pathogenic (1 of 4 stars; one submission).

gnomAD v4.1: 1 of 1,614,132 alleles (0.000062%); highest among the groups gnomAD compares: Non-Finnish European, 0.000085%; no homozygotes.

Submission:

Labcorp Genetics (formerly Invitae), Labcorp
Classification: Pathogenic. Last evaluated: 2024-02-20. Review status: criteria provided, single submitter. Criteria: Invitae Variant Classification Sherloc (09022015). Collection method: clinical testing. Allele origin: germline.
Comment: This sequence change creates a premature translational stop signal (p.Tyr954*) in the ABCA4 gene. It is expected to result in an absent or disrupted protein product. Loss-of-function variants in ABCA4 are known to be pathogenic (PMID: 10958761, 24938718, 25312043, 26780318). This variant is not present in population databases (gnomAD no frequency). This variant has not been reported in the literature in individuals affected with ABCA4-related conditions. For these reasons, this variant has been classified as Pathogenic.

Literature cited by the submitters: PubMed 10958761; PubMed 24938718; PubMed 25312043; PubMed 26780318.